The following is an entry in ClinVar:

NM_001378615.1(CC2D2A):c.3872T>C (p.Ile1291Thr)

Genes: CC2D2A (coiled-coil and C2 domain containing 2A; plus strand), FBXL5 (F-box and leucine rich repeat protein 5; minus strand). Cytogenetic location: 4p15.32.
Variant type: single nucleotide variant.
Coding change: c.3872T>C on transcript NM_001378615.1 (MANE Select); coding-DNA position 3872, T replaced by C.
Protein change: p.Ile1291Thr; replaces isoleucine 1291 with threonine.
Molecular consequence: missense variant.
Genome position (GRCh38, 1-based): chr4:15,580,068, T>C. VCF-style: chr4-15580068-T-C. GRCh37 (hg19) VCF-style: chr4-15581691-T-C.
Other names: c.3872T>C, p.Ile1291Thr (NM_001080522.2); c.3725T>C, p.Ile1242Thr (NM_001378617.1); short protein forms I1291T, I1242T.
Identifiers: ClinVar variation 210610 (VCV000210610.27), dbSNP rs370492044, ClinGen allele CA205784.

ClinVar aggregate classification (germline): Conflicting classifications of pathogenicity. Review status: criteria provided, conflicting classifications (1 of 4 stars). 8 submissions from 7 submitters: Uncertain significance (1); Benign (1); Likely benign (5). 1 of the submissions does not count toward it. Last evaluated 2026-01-28.

Conditions:
CC2D2A-related disorder. Also called: CC2D2A-related disorders; CC2D2A-related condition. Identifiers: MedGen CN239313.
Meckel-Gruber syndrome. Also called: DYSENCEPHALIA SPLANCHNOCYSTICA; GRUBER SYNDROME; Dysencephalia splachnocystica. Identifiers: Orphanet 564, MedGen C0265215, MONDO:0018921.
Joubert syndrome. Also called: Familial aplasia of the vermis; JOUBERT-BOLTSHAUSER SYNDROME. Identifiers: Orphanet 475, MedGen C5979921, MONDO:0018772.
Joubert syndrome 9 (JBTS9). Identifiers: Orphanet 2318, MedGen C2676788, MONDO:0012849, OMIM 612285.
Meckel syndrome, type 6. Identifiers: Orphanet 564, MedGen C2676790, MONDO:0012848, OMIM 612284.

Allele frequency attached by ClinVar (database versions not stated): gnomAD 0.00009 and 0.00021; TOPMed 0.00011; ESP Exome Variant Server 0.00017; gnomAD exomes 0.00058 and 0.00088; 1000 Genomes Project 30x 0.00062; 1000 Genomes Project 0.00080; ExAC 0.00089.
gnomAD v4.1: 869 of 1,613,964 alleles (0.054%); highest among the groups gnomAD compares: South Asian, 0.71%; 10 homozygotes.

Submissions (8):

Labcorp Genetics (formerly Invitae), Labcorp
Classification: Benign for Joubert syndrome; Meckel-Gruber syndrome. Last evaluated: 2026-01-28. Review status: criteria provided, single submitter. Criteria: Invitae Variant Classification Sherloc (09022015). Collection method: clinical testing. Allele origin: germline.

Blueprint Genetics
Classification: Likely benign. Last evaluated: 2024-10-15. Review status: criteria provided, single submitter. Criteria: ACMG Guidelines, 2015. Collection method: clinical testing. Allele origin: germline.

Genetic Services Laboratory, University of Chicago
Classification: Likely benign. Last evaluated: 2019-10-04. Review status: criteria provided, single submitter. Criteria: ACMG Guidelines, 2015. Collection method: clinical testing. Allele origin: germline. Affected: no.

Eurofins Ntd Llc (ga)
Classification: Likely benign. Last evaluated: 2018-05-04. Review status: criteria provided, single submitter. Criteria: EGL ClinVar v180209 classification definitions. Collection method: clinical testing. Allele origin: germline. Observed: 3 variant alleles, 3 heterozygotes.

GeneDx
Classification: Likely benign. Last evaluated: 2018-03-23. Review status: criteria provided, single submitter. Criteria: GeneDx Variant Classification Process June 2021. Collection method: clinical testing. Allele origin: germline. Affected: yes.

Illumina Laboratory Services, Illumina
Classification: Likely benign for Joubert syndrome 9. Last evaluated: 2018-01-13. Review status: criteria provided, single submitter. Criteria: ICSL Variant Classification Criteria 13 December 2019. Collection method: clinical testing. Allele origin: germline.
Comment: This variant was observed in the ICSL laboratory as part of a predisposition screen in an ostensibly healthy population. It had not been previously curated by ICSL or reported in the Human Gene Mutation Database (HGMD: prior to June 1st, 2018), and was therefore a candidate for classification through an automated scoring system. Utilizing variant allele frequency, disease prevalence and penetrance estimates, and inheritance mode, an automated score was calculated to assess if this variant is too frequent to cause the disease. Based on the score and internal cut-off values, a variant classified as likely benign is not then subjected to further curation. The score for this variant resulted in a classification of likely benign for this disease.

Illumina Laboratory Services, Illumina
Classification: Uncertain significance for Meckel syndrome, type 6. Last evaluated: 2018-01-13. Review status: criteria provided, single submitter. Criteria: ICSL Variant Classification Criteria 13 December 2019. Collection method: clinical testing. Allele origin: germline.

PreventionGenetics, part of Exact Sciences
Classification: Likely benign for CC2D2A-related condition. Last evaluated: 2020-10-14. Review status: no assertion criteria provided. Collection method: clinical testing. Allele origin: germline. Not counted in ClinVar's aggregate classification.
Comment: This variant is classified as likely benign based on ACMG/AMP sequence variant interpretation guidelines (Richards et al. 2015 PMID: 25741868, with internal and published modifications).